The following is an entry in ClinVar:

ClinVar aggregate classification (germline): Pathogenic (1 of 4 stars; one submission).

Submission:

GeneDx
Classification: Pathogenic. Last evaluated: 2024-03-18. Review status: criteria provided, single submitter. Criteria: GeneDx Variant Classification Process June 2021. Collection method: clinical testing. Allele origin: germline. Affected: yes.
Comment: Nonsense variant predicted to result in protein truncation or nonsense mediated decay in a gene for which loss of function is a known mechanism of disease; This variant is associated with the following publications: (PMID: 35241104)

NM_001172509.2(SATB2):c.658C>T (p.Gln220Ter)

Gene: SATB2 (SATB homeobox 2; minus strand). Cytogenetic location: 2q33.1.
Variant type: single nucleotide variant.
Coding change: c.658C>T on transcript NM_001172509.2 (MANE Select); coding-DNA position 658, C replaced by T.
Protein change: p.Gln220Ter; replaces glutamine 220 with a stop codon.
Molecular consequence: nonsense.
Genome position (GRCh38, 1-based): chr2:199,368,647, G>A on the plus strand (C>T on the coding strand, the complement: SATB2 is on the minus strand). VCF-style: chr2-199368647-G-A. GRCh37 (hg19) VCF-style: chr2-200233370-G-A.
Other names: c.658C>T, p.Gln220Ter (NM_001172517.1, NM_015265.4); short protein forms Q220*.
Identifiers: ClinVar variation 3342727 (VCV003342727.1).
Genomic context (GRCh38, chr2:199,368,647, plus strand): 5'-ACAAAAAAGTCAGTTTACCTTTAATCTTCTTGTACTTTTTATACCATCTCCCAAACTCCT[G>A]GCACTTGGTTGCTGACACATTGGCATAATATGTGCTATTTACAATGGATGAAATCATACT-3'